The following is an entry in ClinVar:

ClinVar aggregate classification (germline): Likely benign (1 of 4 stars; one submission).

Allele frequency attached by ClinVar (database versions not stated): gnomAD exomes below 0.00001; ExAC 0.00001.

Submission:

CeGaT Center for Human Genetics Tuebingen
Classification: Likely benign. Last evaluated: 2023-05-01. Review status: criteria provided, single submitter. Criteria: CeGaT Center For Human Genetics Tuebingen Variant Classification Criteria Version 2. Collection method: clinical testing. Allele origin: germline. Affected: yes. Observed: 1 variant allele.
Comment: ZNF57: BP4, BP7

NM_173480.3(ZNF57):c.1368C>T (p.Ala456=)

Gene: ZNF57 (zinc finger protein 57; plus strand). Cytogenetic location: 19p13.3.
Variant type: single nucleotide variant.
Coding change: c.1368C>T on transcript NM_173480.3 (MANE Select); coding-DNA position 1368, C replaced by T.
Protein change: p.Ala456=; no amino-acid change (alanine 456 retained).
Molecular consequence: synonymous variant.
Genome position (GRCh38, 1-based): chr19:2,917,989, C>T. VCF-style: chr19-2917989-C-T. GRCh37 (hg19) VCF-style: chr19-2917987-C-T.
Other names: c.1272C>T, p.Ala424= (NM_001319083.2).
Identifiers: ClinVar variation 2648979 (VCV002648979.24), dbSNP rs753030851, ClinGen allele CA9071972.